The following is an entry in ClinVar:

ClinVar aggregate classification (germline): Uncertain significance (1 of 4 stars; one submission).

Conditions:
Hypertrophic cardiomyopathy. Also called: HYPERTROPHIC MYOCARDIOPATHY. Identifiers: Orphanet 217569, MedGen C0007194, MeSH D002312, MONDO:0005045, HP:0001639.

Submission:

Labcorp Genetics (formerly Invitae), Labcorp
Classification: Uncertain significance for Hypertrophic cardiomyopathy. Last evaluated: 2022-06-13. Review status: criteria provided, single submitter. Criteria: Invitae Variant Classification Sherloc (09022015). Collection method: clinical testing. Allele origin: germline.
Comment: In summary, the available evidence is currently insufficient to determine the role of this variant in disease. Therefore, it has been classified as a Variant of Uncertain Significance. Algorithms developed to predict the effect of missense changes on protein structure and function are either unavailable or do not agree on the potential impact of this missense change (SIFT: "Deleterious"; PolyPhen-2: "Probably Damaging"; Align-GVGD: "Class C0"). This variant has not been reported in the literature in individuals affected with MYH7-related conditions. This variant is not present in population databases (gnomAD no frequency). This sequence change replaces lysine, which is basic and polar, with glutamic acid, which is acidic and polar, at codon 1616 of the MYH7 protein (p.Lys1616Glu).

NM_000257.4(MYH7):c.4846A>G (p.Lys1616Glu)

Genes: MHRT (myosin heavy chain associated RNA transcript; plus strand), MYH7 (myosin heavy chain 7; minus strand), LOC126861897 (BRD4-independent group 4 enhancer GRCh37_chr14:23884455-23885654; plus strand). Cytogenetic location: 14q11.2.
Variant type: single nucleotide variant.
Coding change: c.4846A>G on transcript NM_000257.4 (MANE Select); coding-DNA position 4846, A replaced by G.
Protein change: p.Lys1616Glu; replaces lysine 1616 with glutamic acid.
Molecular consequence: missense variant. On other transcripts: non-coding transcript variant (1).
Genome position (GRCh38, 1-based): chr14:23,416,111, T>C on the plus strand (A>G on the coding strand, the complement: MYH7 is on the minus strand). VCF-style: chr14-23416111-T-C. GRCh37 (hg19) VCF-style: chr14-23885320-T-C.
Other names: c.4846A>G, p.Lys1616Glu (NM_001407004.1); short protein forms K1616E.
Identifiers: ClinVar variation 2051643 (VCV002051643.4), dbSNP rs2502244850, ClinGen allele CA389037524.